The following is an entry in ClinVar:

NM_016151.4(TAOK2):c.1340C>T (p.Pro447Leu)

Gene: TAOK2 (TAO kinase 2; plus strand). Cytogenetic location: 16p11.2.
Variant type: single nucleotide variant.
Coding change: c.1340C>T on transcript NM_016151.4 (MANE Select); coding-DNA position 1340, C replaced by T.
Protein change: p.Pro447Leu; replaces proline 447 with leucine.
Molecular consequence: missense variant.
Genome position (GRCh38, 1-based): chr16:29,983,582, C>T. VCF-style: chr16-29983582-C-T. GRCh37 (hg19) VCF-style: chr16-29994903-C-T.
Other names: c.1340C>T, p.Pro447Leu (NM_001252043.2, NM_004783.4); short protein forms P447L.
Identifiers: ClinVar variation 3723978 (VCV003723978.2).

ClinVar aggregate classification (germline): Uncertain significance (1 of 4 stars; one submission).

gnomAD v4.1: 2 of 1,614,042 alleles (0.00012%); highest among the groups gnomAD compares: South Asian, 0.0011%; no homozygotes.

Submission:

Labcorp Genetics (formerly Invitae), Labcorp
Classification: Uncertain significance. Last evaluated: 2024-10-28. Review status: criteria provided, single submitter. Criteria: Invitae Variant Classification Sherloc (09022015). Collection method: clinical testing. Allele origin: germline.
Comment: This sequence change replaces proline, which is neutral and non-polar, with leucine, which is neutral and non-polar, at codon 447 of the TAOK2 protein (p.Pro447Leu). This variant is not present in population databases (gnomAD no frequency). This variant has not been reported in the literature in individuals affected with TAOK2-related conditions. An algorithm developed to predict the effect of missense changes on protein structure and function (PolyPhen-2) suggests that this variant is likely to be tolerated. In summary, the available evidence is currently insufficient to determine the role of this variant in disease. Therefore, it has been classified as a Variant of Uncertain Significance.